The following is an entry in ClinVar:

NM_144999.4(LRRC45):c.481G>A (p.Ala161Thr)

Gene: LRRC45 (leucine rich repeat containing 45; plus strand). Cytogenetic location: 17q25.3.
Variant type: single nucleotide variant.
Coding change: c.481G>A on transcript NM_144999.4 (MANE Select); coding-DNA position 481, G replaced by A.
Protein change: p.Ala161Thr; replaces alanine 161 with threonine.
Molecular consequence: missense variant.
Genome position (GRCh38, 1-based): chr17:82,025,127, G>A. VCF-style: chr17-82025127-G-A. GRCh37 (hg19) VCF-style: chr17-79983003-G-A.
Other names: c.481G>A (NM_144999.3); short protein forms A161T.
Identifiers: ClinVar variation 2592035 (VCV002592035.4), dbSNP rs779738162, ClinGen allele CA8847663.

ClinVar aggregate classification (germline): Uncertain significance. Review status: criteria provided, multiple submitters, no conflicts (2 of 4 stars). 2 submissions from 2 submitters: Uncertain significance (2). Last evaluated 2026-09-05.

Conditions:
LRRC45-related disorder. Also called: LRRC45-related condition.

Allele frequency attached by ClinVar (database versions not stated): gnomAD 0.00007; TOPMed 0.00007; gnomAD exomes 0.00008; ExAC 0.00019.

Submissions (2):

PreventionGenetics, part of Exact Sciences
Classification: Uncertain significance for LRRC45-related condition. Last evaluated: 2026-09-05. Review status: criteria provided, single submitter. Criteria: ACMG Guidelines, 2015. Collection method: clinical testing. Allele origin: germline.
Comment: The LRRC45 c.481G>A variant is predicted to result in the amino acid substitution p.Ala161Thr. To our knowledge, this variant has not been reported in the literature. This variant is reported in 0.018% of alleles in individuals of European (Non-Finnish) descent in gnomAD. At this time, the clinical significance of this variant is uncertain due to the absence of conclusive functional and genetic evidence.

Ambry Genetics
Classification: Uncertain significance. Last evaluated: 2025-10-02. Review status: criteria provided, single submitter. Criteria: Ambry Variant Classification Scheme 2023. Collection method: clinical testing. Allele origin: germline.